The following is an entry in ClinVar:

ClinVar aggregate classification (germline): Likely benign. Review status: criteria provided, single submitter (1 of 4 stars). 2 submissions from 2 submitters: Likely benign (1). 1 of the submissions does not count toward it. Last evaluated 2024-02-24.

Conditions:
GYS1-related disorder. Also called: GYS1-related condition.
Glycogen storage disease due to muscle and heart glycogen synthase deficiency. Also called: MUSCLE GLYCOGEN SYNTHASE DEFICIENCY; GSD 0b. Identifiers: Orphanet 137625, MedGen C1969054, MONDO:0012693, OMIM 611556.

Allele frequency attached by ClinVar (database versions not stated): ExAC 0.00002; gnomAD exomes 0.00002; TOPMed 0.00002; gnomAD 0.00004; ESP Exome Variant Server 0.00008.
gnomAD v4.1: 58 of 1,614,102 alleles (0.0036%); highest among the groups gnomAD compares: Non-Finnish European, 0.0048%; no homozygotes.

Submissions (2):

Labcorp Genetics (formerly Invitae), Labcorp
Classification: Likely benign for Glycogen storage disease due to muscle and heart glycogen synthase deficiency. Last evaluated: 2024-02-24. Review status: criteria provided, single submitter. Criteria: Invitae Variant Classification Sherloc (09022015). Collection method: clinical testing. Allele origin: germline.

PreventionGenetics, part of Exact Sciences
Classification: Likely benign for GYS1-related condition. Last evaluated: 2021-11-19. Review status: no assertion criteria provided. Collection method: clinical testing. Allele origin: germline. Not counted in ClinVar's aggregate classification.
Comment: This variant is classified as likely benign based on ACMG/AMP sequence variant interpretation guidelines (Richards et al. 2015 PMID: 25741868, with internal and published modifications).

NM_002103.5(GYS1):c.547T>C (p.Leu183=)

Gene: GYS1 (glycogen synthase 1; minus strand). Cytogenetic location: 19q13.33.
Variant type: single nucleotide variant.
Coding change: c.547T>C on transcript NM_002103.5 (MANE Select); coding-DNA position 547, T replaced by C.
Protein change: p.Leu183=; no amino-acid change (leucine 183 retained).
Molecular consequence: synonymous variant. On other transcripts: non-coding transcript variant (1).
Genome position (GRCh38, 1-based): chr19:48,985,981, A>G on the plus strand (T>C on the coding strand, the complement: GYS1 is on the minus strand). VCF-style: chr19-48985981-A-G. GRCh37 (hg19) VCF-style: chr19-49489238-A-G.
Other names: c.355T>C, p.Leu119= (NM_001161587.2); c.547T>C (NM_002103.4).
Identifiers: ClinVar variation 1131487 (VCV001131487.11), dbSNP rs147264448, ClinGen allele CA9563309.